The following is an entry in ClinVar:

NM_001378183.1(PIEZO2):c.5183T>G (p.Ile1728Ser)

Gene: PIEZO2 (piezo type mechanosensitive ion channel component 2; minus strand). Cytogenetic location: 18p11.22.
Variant type: single nucleotide variant.
Coding change: c.5183T>G on transcript NM_001378183.1 (MANE Select); coding-DNA position 5183, T replaced by G.
Protein change: p.Ile1728Ser; replaces isoleucine 1728 with serine.
Molecular consequence: missense variant.
Genome position (GRCh38, 1-based): chr18:10,715,723, A>C on the plus strand (T>G on the coding strand, the complement: PIEZO2 is on the minus strand). VCF-style: chr18-10715723-A-C. GRCh37 (hg19) VCF-style: chr18-10715721-A-C.
Other names: c.5009T>G, p.Ile1670Ser (NM_022068.4); short protein forms I1670S, I1728S.
Identifiers: ClinVar variation 1308517 (VCV001308517.2), dbSNP rs1162715886, ClinGen allele CA401913036.

ClinVar aggregate classification (germline): Uncertain significance (1 of 4 stars; one submission).

gnomAD v4.1: 19 of 1,536,708 alleles (0.0012%); highest among the groups gnomAD compares: Non-Finnish European, 0.0016%; no homozygotes.

Submission:

GeneDx
Classification: Uncertain significance. Last evaluated: 2019-04-08. Review status: criteria provided, single submitter. Criteria: GeneDx Variant Classification Process June 2021. Collection method: clinical testing. Allele origin: germline. Affected: yes.
Comment: Has not been previously published as pathogenic or benign to our knowledge; In silico analysis, which includes protein predictors and evolutionary conservation, supports a deleterious effect